The following is an entry in ClinVar:

ClinVar aggregate classification (germline): Conflicting classifications of pathogenicity. Review status: criteria provided, conflicting classifications (1 of 4 stars). 2 submissions from 1 submitter: Uncertain significance (1); Likely benign (1). Last evaluated 2018-01-13.

Conditions:
Congenital myopathy with fiber type disproportion. Also called: Congenital fiber-type disproportion myopathy; Congenital fiber-type disproportion. Identifiers: Orphanet 2020, MedGen C0546264, MONDO:0009711. Inheritance: all.
Congenital myopathy 4B, autosomal recessive. Also called: Nemaline myopathy 1, autosomal dominant or recessive. Identifiers: Orphanet 171433, Orphanet 171439, Orphanet 171881, MedGen C5829889, MONDO:0012239, OMIM 609284.

Allele frequency attached by ClinVar (database versions not stated): gnomAD exomes 0.00008; gnomAD 0.00041 and 0.00047; 1000 Genomes Project 30x 0.00047; TOPMed 0.00053; 1000 Genomes Project 0.00060.
gnomAD v4.1: 179 of 1,550,882 alleles (0.012%); highest among the groups gnomAD compares: African/African-American, 0.2%; no homozygotes.

Submissions (2):

Illumina Laboratory Services, Illumina
Classification: Likely benign for Congenital myopathy 4A, autosomal dominant. Last evaluated: 2018-01-13. Review status: criteria provided, single submitter. Criteria: ICSL Variant Classification Criteria 13 December 2019. Collection method: clinical testing. Allele origin: germline.
Comment: This variant was observed in the ICSL laboratory as part of a predisposition screen in an ostensibly healthy population. It had not been previously curated by ICSL or reported in the Human Gene Mutation Database (HGMD: prior to June 1st, 2018), and was therefore a candidate for classification through an automated scoring system. Utilizing variant allele frequency, disease prevalence and penetrance estimates, and inheritance mode, an automated score was calculated to assess if this variant is too frequent to cause the disease. Based on the score and internal cut-off values, a variant classified as likely benign is not then subjected to further curation. The score for this variant resulted in a classification of likely benign for this disease.

Illumina Laboratory Services, Illumina
Classification: Uncertain significance for Congenital myopathy 4B, autosomal recessive. Last evaluated: 2018-01-13. Review status: criteria provided, single submitter. Criteria: ICSL Variant Classification Criteria 13 December 2019. Collection method: clinical testing. Allele origin: germline.

NM_152263.4(TPM3):c.*157C>T

Gene: TPM3 (tropomyosin 3; minus strand). Cytogenetic location: 1q21.3.
Variant type: single nucleotide variant.
Coding change: c.*157C>T on transcript NM_152263.4 (MANE Select); 157 bases downstream of the stop codon, C replaced by T.
Molecular consequence: 3 prime UTR variant. On other transcripts: intron variant (12).
Genome position (GRCh38, 1-based): chr1:154,167,780, G>A on the plus strand (C>T on the coding strand, the complement: TPM3 is on the minus strand). VCF-style: chr1-154167780-G-A. GRCh37 (hg19) VCF-style: chr1-154140256-G-A.
Other names: c.*157C>T (NM_001364682.1, NM_001364683.1); c.775+2620C>T (NM_001364679.2, NM_001364681.2, NM_001364680.2); c.466+2620C>T (NM_001278188.2); c.664+2620C>T (NM_001043351.2, NM_001043353.2, NM_153649.4 and 1 more transcripts); c.743+1525C>T (NM_001349679.2, NM_001278189.2); c.601+2620C>T (NM_001278190.2); c.394+2620C>T (NM_001278191.2).
Identifiers: ClinVar variation 876081 (VCV000876081.4), dbSNP rs144482403, ClinGen allele CA30766147.